The following is an entry in ClinVar:

NM_020549.5(CHAT):c.1916C>T (p.Pro639Leu)

Gene: CHAT (choline O-acetyltransferase; plus strand). Cytogenetic location: 10q11.23.
Variant type: single nucleotide variant.
Coding change: c.1916C>T on transcript NM_020549.5 (MANE Select); coding-DNA position 1916, C replaced by T.
Protein change: p.Pro639Leu; replaces proline 639 with leucine.
Molecular consequence: missense variant.
Genome position (GRCh38, 1-based): chr10:49,662,721, C>T. VCF-style: chr10-49662721-C-T. GRCh37 (hg19) VCF-style: chr10-50870767-C-T.
Other names: c.1562C>T, p.Pro521Leu (NM_001142929.2, NM_001142934.2, NM_020984.4 and 2 more transcripts); c.1670C>T, p.Pro557Leu (NM_001142933.2); short protein forms P521L, P557L, P639L.
Identifiers: ClinVar variation 1804931 (VCV001804931.1), dbSNP rs2538892861, ClinGen allele CA376711587.
Genomic context (GRCh38, chr10:49,662,721, plus strand): 5'-CCATTGACAACCACCTGCTGGCACTGCGGGAGCTGGCCCGGGCCATGTGCAAGGAGCTGC[C>T]CGAGATGTTCATGGATGAAACCTACCTGATGAGCAACCGGTTTGTCCTCTCCACTAGCCA-3'
Protein context (NP_065574.4, residues 629-649): ELARAMCKEL[Pro639Leu]EMFMDETYLM

ClinVar aggregate classification (germline): Likely pathogenic (1 of 4 stars; one submission).

Conditions:
Familial infantile myasthenia (CMS6). Also called: MYASTHENIC SYNDROME, CONGENITAL, 6, PRESYNAPTIC; MYASTHENIC SYNDROME, PRESYNAPTIC, CONGENITAL, ASSOCIATED WITH EPISODIC APNEA; Congenital myasthenic syndrome type 6. Identifiers: Orphanet 590, MedGen C0393929, MONDO:0009689, OMIM 254210.

Allele frequency attached by ClinVar (database versions not stated): gnomAD exomes below 0.00001.
gnomAD v4.1: 2 of 1,614,214 alleles (0.00012%); highest among the groups gnomAD compares: South Asian, 0.0022%; no homozygotes.

Submission:

Victorian Clinical Genetics Services, Murdoch Childrens Research Institute
Classification: Likely pathogenic for Familial infantile myasthenia. Last evaluated: 2021-05-06. Review status: criteria provided, single submitter. Criteria: ACMG Guidelines, 2015. Collection method: clinical testing. Allele origin: germline. Inheritance: Autosomal recessive inheritance.
Comment: Based on the classification scheme VCGS_Germline_v1.3.4, this variant is classified as Likely Pathogenic. Following criteria are met: 0102 - Loss of function is a known mechanism of disease in this gene and is associated with presynaptic congenital myasthenic syndrome 6 (MIM#254210). (I) 0106 - This gene is associated with autosomal recessive disease. (I) 0200 - Variant is predicted to result in a missense amino acid change from proline to leucine. (I) 0251 - This variant is heterozygous. (I) 0301 - Variant is absent from gnomAD (both v2 and v3). (SP) 0501 - Missense variant consistently predicted to be damaging by multiple in silico tools or highly conserved with a major amino acid change. (SP) 0600 - Variant is located in the annotated carnitine o-acetyltransferase domain (NCBI). (I) 0705 - No comparable missense variants have previous evidence for pathogenicity. (I) 0807 - This variant has no previous evidence of pathogenicity. (I) 0905 - No published segregation evidence has been identified for this variant. (I) 1007 - No published functional evidence has been identified for this variant. (I) 1201 - Heterozygous variant detected in trans with a second pathogenic heterozygous variant (p.(Arg482Lysfs*29)) in a recessive disease. (I) Legend: (SP) - Supporting pathogenic, (I) - Information, (SB) - Supporting benign